The following is an entry in ClinVar:

ClinVar aggregate classification (germline): Uncertain significance. Review status: criteria provided, multiple submitters, no conflicts (2 of 4 stars). 2 submissions from 2 submitters: Uncertain significance (2). Last evaluated 2024-11-25.

Conditions:
Inborn genetic diseases. Identifiers: MedGen C0950123, MeSH D030342.

Submissions (2):

Ambry Genetics
Classification: Uncertain significance for Inborn genetic diseases. Last evaluated: 2024-11-25. Review status: criteria provided, single submitter. Criteria: Ambry Variant Classification Scheme 2023. Collection method: clinical testing. Allele origin: germline.
Comment: The p.E400G variant (also known as c.1199A>G), located in coding exon 5 of the SH2B3 gene, results from an A to G substitution at nucleotide position 1199. The glutamic acid at codon 400 is replaced by glycine, an amino acid with similar properties. This amino acid position is conserved. In addition, the in silico prediction for this alteration is inconclusive. Based on the available evidence, the clinical significance of this variant remains unclear.

GeneDx
Classification: Uncertain significance. Last evaluated: 2022-05-12. Review status: criteria provided, single submitter. Criteria: GeneDx Variant Classification Process June 2021. Collection method: clinical testing. Allele origin: germline. Affected: yes.
Comment: Not observed at significant frequency in large population cohorts (gnomAD); In silico analysis supports that this missense variant has a deleterious effect on protein structure/function; Has not been previously published as pathogenic or benign to our knowledge; Variants in candidate genes are classified as variants of uncertain significance in accordance with ACMG guidelines (Richards et al., 2015)

NM_005475.3(SH2B3):c.1199A>G (p.Glu400Gly)

Gene: SH2B3 (SH2B adaptor protein 3; plus strand). Cytogenetic location: 12q24.12.
Variant type: single nucleotide variant.
Coding change: c.1199A>G on transcript NM_005475.3 (MANE Select); coding-DNA position 1199, A replaced by G.
Protein change: p.Glu400Gly; replaces glutamic acid 400 with glycine.
Molecular consequence: missense variant.
Genome position (GRCh38, 1-based): chr12:111,447,507, A>G. VCF-style: chr12-111447507-A-G. GRCh37 (hg19) VCF-style: chr12-111885311-A-G.
Other names: c.593A>G, p.Glu198Gly (NM_001291424.1); short protein forms E198G, E400G.
Identifiers: ClinVar variation 3342521 (VCV003342521.2).
Genomic context (GRCh38, chr12:111,447,507, plus strand): 5'-TGCAGGGCCCTGATGCTCATGGAGTGTTCCTGGTGCGGCAGAGCGAGACGCGGCGTGGGG[A>G]ATACGTGCTCACTTTCAACTTTCAGGGGATAGCCAAGGTATGGGGTGGGGTGGGGTGGGG-3'
Protein context (NP_005466.1, residues 390-410): LVRQSETRRG[Glu400Gly]YVLTFNFQGI